The following is an entry in ClinVar:

ClinVar aggregate classification (germline): Conflicting classifications of pathogenicity. Review status: criteria provided, conflicting classifications (1 of 4 stars). 13 submissions from 13 submitters: Uncertain significance (1); Benign (3); Likely benign (8). 1 of the submissions does not count toward it. Last evaluated 2026-01-14.

Conditions:
CDH1-related disorder. Also called: CDH1-related condition.
Breast and/or ovarian cancer. Identifiers: MedGen CN221562.
Hereditary cancer-predisposing syndrome. Also called: Tumor predisposition; Neoplastic Syndromes, Hereditary; Hereditary Cancer Syndrome; Hereditary neoplastic syndrome. Identifiers: Orphanet 140162, MedGen C0027672, MeSH D009386, MONDO:0015356.
Hereditary diffuse gastric adenocarcinoma (HDGC). Also called: DIFFUSE GASTRIC AND LOBULAR BREAST CANCER SYNDROME. Identifiers: Orphanet 26106, MedGen C1708349, MONDO:0007648, OMIM 137215.

Allele frequency attached by ClinVar (database versions not stated): ExAC 0.00002; TOPMed 0.00002; gnomAD exomes 0.00004 and 0.00005.
gnomAD v4.1: 79 of 1,613,832 alleles (0.0049%); highest among the groups gnomAD compares: Admixed American, 0.0067%; no homozygotes.

Submissions (14):

Labcorp Genetics (formerly Invitae), Labcorp
Classification: Likely benign for Hereditary diffuse gastric adenocarcinoma. Last evaluated: 2026-01-14. Review status: criteria provided, single submitter. Criteria: Invitae Variant Classification Sherloc (09022015). Collection method: clinical testing. Allele origin: germline.

CeGaT Center for Human Genetics Tuebingen
Classification: Likely benign. Last evaluated: 2025-11-01. Review status: criteria provided, single submitter. Criteria: CeGaT Center For Human Genetics Tuebingen Variant Classification Criteria Version 2. Collection method: clinical testing. Allele origin: germline. Affected: yes. Observed: 1 variant allele.
Comment: CDH1: BP4, BP7

Women's Health and Genetics/Laboratory Corporation of America, LabCorp
Classification: Benign. Last evaluated: 2025-09-12. Review status: criteria provided, single submitter. Criteria: LabCorp Variant Classification Summary - May 2015. Collection method: clinical testing. Allele origin: germline.

Center for Genomic Medicine, Rigshospitalet, Copenhagen University Hospital
Classification: Likely benign. Last evaluated: 2025-03-04. Review status: criteria provided, single submitter. Criteria: ACMG Guidelines, 2015. Collection method: clinical testing. Allele origin: germline.

Myriad Genetics, Inc.
Classification: Benign for Hereditary diffuse gastric adenocarcinoma. Last evaluated: 2024-09-23. Review status: criteria provided, single submitter. Criteria: Myriad Autosomal Dominant, Autosomal Recessive and X-Linked Classification Criteria (2023). Collection method: clinical testing. Allele origin: unknown.
Comment: This variant is considered benign. This variant is a silent/synonymous amino acid change and it is not expected to impact splicing.

European Reference Network on Genetic Tumour Risk Syndromes (ERN-GENTURIS), i3s - Instituto de Investigação e Inovação em Saúde, University of Porto
Classification: Uncertain significance for Hereditary diffuse gastric adenocarcinoma. Last evaluated: 2022-08-01. Review status: criteria provided, single submitter. Criteria: Lee et al. (Hum Mutat. 2018). Collection method: clinical testing. Allele origin: germline. Inheritance: Autosomal dominant inheritance. Affected: no. Study: ERN GENTURIS.
Comment: Not applicable criteria (PMID: 30311375)

CHEO Genetics Diagnostic Laboratory, Children's Hospital of Eastern Ontario
Classification: Likely benign for Breast and/or ovarian cancer. Last evaluated: 2022-05-17. Review status: criteria provided, single submitter. Criteria: ACMG Guidelines, 2015. Collection method: clinical testing. Allele origin: germline.

Sema4
Classification: Likely benign for Hereditary cancer-predisposing syndrome. Last evaluated: 2020-10-01. Review status: criteria provided, single submitter. Criteria: Sema4 Curation Guidelines. Collection method: curation. Allele origin: germline.

Illumina Laboratory Services, Illumina
Classification: Likely benign for Hereditary diffuse gastric adenocarcinoma. Last evaluated: 2018-01-13. Review status: criteria provided, single submitter. Criteria: ICSL Variant Classification Criteria 13 December 2019. Collection method: clinical testing. Allele origin: germline.
Comment: This variant was observed in the ICSL laboratory as part of a predisposition screen in an ostensibly healthy population. It had not been previously curated by ICSL or reported in the Human Gene Mutation Database (HGMD: prior to June 1st, 2018), and was therefore a candidate for classification through an automated scoring system. Utilizing variant allele frequency, disease prevalence and penetrance estimates, and inheritance mode, an automated score was calculated to assess if this variant is too frequent to cause the disease. Based on the score and internal cut-off values, a variant classified as likely benign is not then subjected to further curation. The score for this variant resulted in a classification of likely benign for this disease.

Color Diagnostics, LLC DBA Color Health
Classification: Likely benign for Hereditary cancer-predisposing syndrome. Last evaluated: 2015-04-23. Review status: criteria provided, single submitter. Criteria: ACMG Guidelines, 2015. Collection method: clinical testing. Allele origin: germline.

GeneDx
Classification: Benign. Last evaluated: 2015-03-03. Review status: criteria provided, single submitter. Criteria: GeneDx Variant Classification Process June 2021. Collection method: clinical testing. Allele origin: germline. Affected: yes.

Ambry Genetics
Classification: Likely benign for Hereditary cancer-predisposing syndrome. Last evaluated: 2014-09-26. Review status: criteria provided, single submitter. Criteria: Ambry Variant Classification Scheme 2023. Collection method: clinical testing. Allele origin: germline.

PreventionGenetics, part of Exact Sciences
Classification: Likely benign for CDH1-related condition. Last evaluated: 2020-07-09. Review status: no assertion criteria provided. Collection method: clinical testing. Allele origin: germline. Not counted in ClinVar's aggregate classification.
Comment: This variant is classified as likely benign based on ACMG/AMP sequence variant interpretation guidelines (Richards et al. 2015 PMID: 25741868, with internal and published modifications).

Dr. Peter K. Rogan Lab, Western University
No classification provided (evidence only). Condition: Gastric cancer. Review status: no classification provided. Collection method: in vitro. Allele origin: not applicable. Functional consequence: retained intron. Not counted in ClinVar's aggregate classification.

Literature cited by the submitters: PubMed 36436516 (cited by European Reference Network on Genetic Tumour Risk Syndromes (ERN-GENTURIS), i3s - Instituto de Investigação e Inovação em Saúde, University of Porto).

NM_004360.5(CDH1):c.2280C>T (p.Gly760=)

Gene: CDH1 (cadherin 1; plus strand). Cytogenetic location: 16q22.1.
Variant type: single nucleotide variant.
Coding change: c.2280C>T on transcript NM_004360.5 (MANE Select); coding-DNA position 2280, C replaced by T.
Protein change: p.Gly760=; no amino-acid change (glycine 760 retained).
Molecular consequence: synonymous variant.
Genome position (GRCh38, 1-based): chr16:68,828,289, C>T. VCF-style: chr16-68828289-C-T. GRCh37 (hg19) VCF-style: chr16-68862192-C-T.
Other names: c.2280C>T (LRG_301t1, NM_004360.4); c.2097C>T, p.Gly699= (NM_001317184.2); c.732C>T, p.Gly244= (NM_001317185.2); c.315C>T, p.Gly105= (NM_001317186.2).
Identifiers: ClinVar variation 183864 (VCV000183864.42), dbSNP rs768547540, ClinGen allele CA186798.
Genomic context (GRCh38, chr16:68,828,289, plus strand): 5'-CTTACTGCCCCCAGAGGATGACACCCGGGACAACGTTTATTACTATGATGAAGAAGGAGG[C>T]GGAGAAGAGGACCAGGTGGGTTTTGAAAACCTTGGTAGCTCAGTGGTGATCTCTTTATTC-3'
Protein context (NP_004351.1, residues 750-770): DNVYYYDEEG[Gly760=]GEEDQDFDLS